The following is an entry in ClinVar:

NM_177438.3(DICER1):c.1081G>A (p.Glu361Lys)

Gene: DICER1 (dicer 1, ribonuclease III; minus strand). Cytogenetic location: 14q32.13.
Variant type: single nucleotide variant.
Coding change: c.1081G>A on transcript NM_177438.3 (MANE Select); coding-DNA position 1081, G replaced by A.
Protein change: p.Glu361Lys; replaces glutamic acid 361 with lysine.
Molecular consequence: missense variant.
Genome position (GRCh38, 1-based): chr14:95,124,491, C>T on the plus strand (G>A on the coding strand, the complement: DICER1 is on the minus strand). VCF-style: chr14-95124491-C-T. GRCh37 (hg19) VCF-style: chr14-95590828-C-T.
Other names: p.Glu361Lys; c.1081G>A, p.Glu361Lys (NM_001195573.1, NM_001271282.3, NM_001291628.2 and 1 more transcripts); short protein forms E361K.
Identifiers: ClinVar variation 242029 (VCV000242029.23), dbSNP rs878855238, ClinGen allele CA10583224.
Genomic context (GRCh38, chr14:95,124,491, plus strand): 5'-GCAGTTTGATTACTTTAGGAGTTACAAATTTCAGGTCAAGTGAGGCAGGTGAGAAGTGCT[C>T]TTCACATAGTGCATGTATTTTCCTTAGGAAAGTGTCTGTAAACAATAAAAATTTCCTGTG-3'
Protein context (NP_803187.1, residues 351-371): FLRKIHALCE[Glu361Lys]HFSPASLDLK

ClinVar aggregate classification (germline): Uncertain significance. Review status: criteria provided, multiple submitters, no conflicts (2 of 4 stars). 7 submissions from 7 submitters: Uncertain significance (7). Last evaluated 2026-04-01.

Conditions:
Global developmental delay - lung cysts - overgrowth - Wilms tumor syndrome. Also called: GLOW Syndrome; GLOBAL DEVELOPMENTAL DELAY, LUNG CYSTS, OVERGROWTH, AND WILMS TUMOR. Identifiers: Orphanet 404476, MedGen C4748924, MONDO:0018445, OMIM 618272.
DICER1-related disorder. Also called: DICER1-related condition.
DICER1-related tumor predisposition. Also called: DICER1 syndrome; DICER1-related pleuropulmonary blastoma cancer predisposition syndrome. Identifiers: Orphanet 284343, MedGen C3839822, MONDO:0100216.
Hereditary cancer-predisposing syndrome. Also called: Neoplastic Syndromes, Hereditary; Hereditary neoplastic syndrome; Hereditary Cancer Syndrome; Tumor predisposition. Identifiers: Orphanet 140162, MedGen C0027672, MeSH D009386, MONDO:0015356.

Allele frequency attached by ClinVar (database versions not stated): gnomAD exomes below 0.00001 and 0.00001; TOPMed 0.00001; gnomAD 0.00003.
gnomAD v4.1: 14 of 1,613,978 alleles (0.00087%); highest among the groups gnomAD compares: Non-Finnish European, 0.0012%; no homozygotes.

Submissions (7):

Ambry Genetics
Classification: Uncertain significance for Hereditary cancer-predisposing syndrome. Last evaluated: 2026-04-01. Review status: criteria provided, single submitter. Criteria: Ambry Variant Classification Scheme 2023. Collection method: clinical testing. Allele origin: germline.

Labcorp Genetics (formerly Invitae), Labcorp
Classification: Uncertain significance for DICER1-related tumor predisposition. Last evaluated: 2026-01-19. Review status: criteria provided, single submitter. Criteria: Invitae Variant Classification Sherloc (09022015). Collection method: clinical testing. Allele origin: germline.
Comment: This sequence change replaces glutamic acid, which is acidic and polar, with lysine, which is basic and polar, at codon 361 of the DICER1 protein (p.Glu361Lys). This variant is present in population databases (no rsID available, gnomAD 0.0009%). This variant has not been reported in the literature in individuals affected with DICER1-related conditions. ClinVar contains an entry for this variant (Variation ID: 242029). Invitae Evidence Modeling of protein sequence and biophysical properties (such as structural, functional, and spatial information, amino acid conservation, physicochemical variation, residue mobility, and thermodynamic stability) indicates that this missense variant is not expected to disrupt DICER1 protein function with a negative predictive value of 95%. In summary, the available evidence is currently insufficient to determine the role of this variant in disease. Therefore, it has been classified as a Variant of Uncertain Significance.

PreventionGenetics, part of Exact Sciences
Classification: Uncertain significance for DICER1-related condition. Last evaluated: 2025-09-23. Review status: criteria provided, single submitter. Criteria: ACMG Guidelines, 2015. Collection method: clinical testing. Allele origin: germline.
Comment: The DICER1 c.1081G>A variant is predicted to result in the amino acid substitution p.Glu361Lys. To our knowledge, this variant has not been reported in the literature. This variant is reported in 0.00088% of alleles in individuals of European (Non-Finnish) descent in gnomAD. This variant is interpreted as uncertain in ClinVar (Variation ID: 242029). At this time, the clinical significance of this variant is uncertain due to the absence of conclusive functional and genetic evidence.

Baylor Genetics
Classification: Uncertain significance for Global developmental delay - lung cysts - overgrowth - Wilms tumor syndrome. Last evaluated: 2024-03-21. Review status: criteria provided, single submitter. Criteria: ACMG Guidelines, 2015. Collection method: clinical testing. Allele origin: unknown.

Quest Diagnostics Nichols Institute San Juan Capistrano
Classification: Uncertain significance. Last evaluated: 2024-02-20. Review status: criteria provided, single submitter. Criteria: Quest Diagnostics criteria. Collection method: clinical testing. Allele origin: unknown.
Comment: The DICER1 c.1081G>A (p.Glu361Lys) variant has not been reported in individuals with DICER1-related conditions in the published literature. The frequency of this variant in the general population, 0.000004 (1/251320 chromosomes (Genome Aggregation Database)), is uninformative in the assessment of its pathogenicity. Analysis of this variant using bioinformatics tools for the prediction of the effect of amino acid changes on protein structure and function yielded predictions that this variant is damaging. Based on the available information, we are unable to determine the clinical significance of this variant.

GeneDx
Classification: Uncertain significance. Last evaluated: 2023-11-15. Review status: criteria provided, single submitter. Criteria: GeneDx Variant Classification Process June 2021. Collection method: clinical testing. Allele origin: germline. Affected: yes.
Comment: Not observed at significant frequency in large population cohorts (gnomAD); In silico analysis supports that this missense variant does not alter protein structure/function; Has not been previously published as pathogenic or benign to our knowledge

Mayo Clinic Laboratories, Mayo Clinic
Classification: Uncertain significance. Last evaluated: 2022-04-01. Review status: criteria provided, single submitter. Criteria: ACMG Guidelines, 2015. Collection method: clinical testing. Allele origin: germline. Observed: 1 variant allele.
Comment: BP4